The following is an entry in ClinVar:

NM_001035.3(RYR2):c.9862T>C (p.Leu3288=)

Gene: RYR2 (ryanodine receptor 2; plus strand). Cytogenetic location: 1q43.
Variant type: single nucleotide variant.
Coding change: c.9862T>C on transcript NM_001035.3 (MANE Select); coding-DNA position 9862, T replaced by C.
Protein change: p.Leu3288=; no amino-acid change (leucine 3288 retained).
Molecular consequence: synonymous variant.
Genome position (GRCh38, 1-based): chr1:237,707,230, T>C. VCF-style: chr1-237707230-T-C. GRCh37 (hg19) VCF-style: chr1-237870530-T-C.
Identifiers: ClinVar variation 3073728 (VCV003073728.1), dbSNP rs2547403327, ClinGen allele CA424031843.

ClinVar aggregate classification (germline): Likely benign (1 of 4 stars; one submission).

Conditions:
Catecholaminergic polymorphic ventricular tachycardia (CVPT). Also called: Catecholamine-induced polymorphic ventricular tachycardia. Identifiers: Orphanet 3286, MedGen C5574922, MONDO:0017990.

Allele frequency attached by ClinVar (database versions not stated): gnomAD exomes below 0.00001.
gnomAD v4.1: 1 of 1,575,168 alleles (0.000063%); highest among the groups gnomAD compares: Non-Finnish European, 0.000087%; no homozygotes.

Submission:

All of Us Research Program, National Institutes of Health
Classification: Likely benign for Catecholaminergic polymorphic ventricular tachycardia. Last evaluated: 2023-10-06. Review status: criteria provided, single submitter. Criteria: ACMG Guidelines, 2015. Collection method: clinical testing. Allele origin: germline. Inheritance: Autosomal dominant inheritance. Observed: 1 variant allele, 1 heterozygote.
Comment: This study involves interpretation of variants in research participants for the purpose of population health screening. Participant phenotype was not available at the time of variant classification. Additional details can be found in publication PMID: 35346344, PMCID: PMC8962531